The following is an entry in ClinVar:

ClinVar aggregate classification (germline): Likely benign (1 of 4 stars; one submission).

Allele frequency attached by ClinVar (database versions not stated): gnomAD exomes below 0.00001.
gnomAD v4.1: 1 of 1,610,736 alleles (0.000062%); highest among the groups gnomAD compares: Non-Finnish European, 0.000085%; no homozygotes.

Submission:

GeneDx
Classification: Likely benign. Last evaluated: 2017-01-27. Review status: criteria provided, single submitter. Criteria: GeneDx Variant Classification (06012015). Collection method: clinical testing. Allele origin: germline. Affected: yes.
Comment: This variant is considered likely benign or benign based on one or more of the following criteria: it is a conservative change, it occurs at a poorly conserved position in the protein, it is predicted to be benign by multiple in silico algorithms, and/or has population frequency not consistent with disease.

NM_198904.4(GABRG2):c.574T>C (p.Leu192=)

Gene: GABRG2 (gamma-aminobutyric acid type A receptor subunit gamma2; plus strand). Cytogenetic location: 5q34.
Variant type: single nucleotide variant.
Coding change: c.574T>C on transcript NM_198904.4 (MANE Select); coding-DNA position 574, T replaced by C.
Protein change: p.Leu192=; no amino-acid change (leucine 192 retained).
Molecular consequence: synonymous variant.
Genome position (GRCh38, 1-based): chr5:162,101,260, T>C. VCF-style: chr5-162101260-T-C. GRCh37 (hg19) VCF-style: chr5-161528266-T-C.
Other names: c.574T>C, p.Leu192= (NM_000816.3, NM_001375340.1, NM_001375341.1 and 4 more transcripts); c.565T>C, p.Leu189= (NM_001375339.1); c.508T>C, p.Leu170= (NM_001375345.1, NM_001375346.1); c.487T>C, p.Leu163= (NM_001375347.1); c.154T>C, p.Leu52= (NM_001375348.1, NM_001375350.1); c.289T>C, p.Leu97= (NM_001375349.1).
Identifiers: ClinVar variation 507005 (VCV000507005.1), dbSNP rs1554098050, ClinGen allele CA447609711.